The following is an entry in ClinVar:

ClinVar aggregate classification (germline): Conflicting classifications of pathogenicity. Review status: criteria provided, conflicting classifications (1 of 4 stars). 3 submissions from 3 submitters: Uncertain significance (2); Likely benign (1). Last evaluated 2026-05-01.

Conditions:
Developmental and epileptic encephalopathy, 42 (DEE42A). Also called: Epileptic encephalopathy, early infantile, 42; DEVELOPMENTAL AND EPILEPTIC ENCEPHALOPATHY 42A; EPILEPTIC ENCEPHALOPATHY, EARLY INFANTILE, 42A. Identifiers: MedGen C4310716, MONDO:0014917, OMIM 617106.
Episodic ataxia type 2 (EA2). Also called: ATAXIA, EPISODIC, WITH NYSTAGMUS; ATAXIA, FAMILIAL PAROXYSMAL; CEREBELLAR ATAXIA, PAROXYSMAL, ACETAZOLAMIDE-RESPONSIVE; CEREBELLOPATHY, HEREDITARY PAROXYSMAL; EPISODIC ATAXIA, NYSTAGMUS-ASSOCIATED; ACETAZOLAMIDE-RESPONSIVE HEREDITARY PAROXYSMAL CEREBELLAR ATAXIA. Identifiers: Orphanet 97, MedGen C1720416, MONDO:0007163, OMIM 108500.

Allele frequency attached by ClinVar (database versions not stated): gnomAD 0.00002 and 0.00003; gnomAD exomes 0.00002 and 0.00003; ExAC 0.00003; TOPMed 0.00003; 1000 Genomes Project 30x 0.00016.
gnomAD v4.1: 31 of 1,600,550 alleles (0.0019%); highest among the groups gnomAD compares: South Asian, 0.0067%; no homozygotes.

Submissions (3):

CeGaT Center for Human Genetics Tuebingen
Classification: Uncertain significance. Last evaluated: 2026-05-01. Review status: criteria provided, single submitter. Criteria: CeGaT Center For Human Genetics Tuebingen Variant Classification Criteria Version 2. Collection method: clinical testing. Allele origin: germline. Affected: yes. Observed: 1 variant allele.

Labcorp Genetics (formerly Invitae), Labcorp
Classification: Likely benign for Developmental and epileptic encephalopathy, 42; Episodic ataxia type 2. Last evaluated: 2025-07-07. Review status: criteria provided, single submitter. Criteria: Invitae Variant Classification Sherloc (09022015). Collection method: clinical testing. Allele origin: germline.

GeneDx
Classification: Uncertain significance. Last evaluated: 2021-02-24. Review status: criteria provided, single submitter. Criteria: GeneDx Variant Classification Process June 2021. Collection method: clinical testing. Allele origin: germline. Affected: yes.
Comment: Has not been previously published as pathogenic or benign to our knowledge; In silico analysis supports that this missense variant has a deleterious effect on protein structure/function

NM_001127222.2(CACNA1A):c.6101G>A (p.Arg2034His)

Gene: CACNA1A (calcium voltage-gated channel subunit alpha1 A; minus strand). Cytogenetic location: 19p13.13.
Variant type: single nucleotide variant.
Coding change: c.6101G>A on transcript NM_001127222.2 (MANE Select); coding-DNA position 6101, G replaced by A.
Protein change: p.Arg2034His; replaces arginine 2034 with histidine.
Molecular consequence: missense variant.
Genome position (GRCh38, 1-based): chr19:13,212,472, C>T on the plus strand (G>A on the coding strand, the complement: CACNA1A is on the minus strand). VCF-style: chr19-13212472-C-T. GRCh37 (hg19) VCF-style: chr19-13323286-C-T.
Other names: c.6119G>A, p.Arg2040His (NM_000068.4, NM_023035.3); c.6104G>A, p.Arg2035His (NM_001127221.2); c.6110G>A, p.Arg2037His (NM_001174080.2); short protein forms R2034H, R2037H, R2035H, R2040H.
Identifiers: ClinVar variation 857187 (VCV000857187.14), dbSNP rs369555957, ClinGen allele CA9239472.